The following is an entry in ClinVar:

ClinVar aggregate classification (germline): Likely benign. Review status: criteria provided, multiple submitters, no conflicts (2 of 4 stars). 2 submissions from 2 submitters: Likely benign (2). Last evaluated 2025-12-01.

Conditions:
Epileptic encephalopathy. Identifiers: MedGen C0543888, HP:0200134.

Allele frequency attached by ClinVar (database versions not stated): TOPMed 0.00002; gnomAD exomes 0.00004 and 0.00006; ExAC 0.00005; gnomAD 0.00006 and 0.00007; ESP Exome Variant Server 0.00008.
gnomAD v4.1: 101 of 1,614,114 alleles (0.0063%); highest among the groups gnomAD compares: Non-Finnish European, 0.007%; no homozygotes.

Submissions (2):

CeGaT Center for Human Genetics Tuebingen
Classification: Likely benign. Last evaluated: 2025-12-01. Review status: criteria provided, single submitter. Criteria: CeGaT Center For Human Genetics Tuebingen Variant Classification Criteria Version 2. Collection method: clinical testing. Allele origin: germline. Affected: yes. Observed: 1 variant allele.
Comment: RYR3: BP4, BP7

Labcorp Genetics (formerly Invitae), Labcorp
Classification: Likely benign for Epileptic encephalopathy. Last evaluated: 2020-05-11. Review status: criteria provided, single submitter. Criteria: Invitae Variant Classification Sherloc (09022015). Collection method: clinical testing. Allele origin: germline.

NM_001036.6(RYR3):c.14034C>T (p.Ala4678=)

Genes: RYR3 (ryanodine receptor 3; plus strand), AVEN (apoptosis and caspase activation inhibitor; minus strand). Cytogenetic location: 15q14.
Variant type: single nucleotide variant.
Coding change: c.14034C>T on transcript NM_001036.6 (MANE Select); coding-DNA position 14034, C replaced by T.
Protein change: p.Ala4678=; no amino-acid change (alanine 4678 retained).
Molecular consequence: synonymous variant.
Genome position (GRCh38, 1-based): chr15:33,857,806, C>T. VCF-style: chr15-33857806-C-T. GRCh37 (hg19) VCF-style: chr15-34150007-C-T.
Other names: c.14019C>T, p.Ala4673= (NM_001243996.4).
Identifiers: ClinVar variation 749212 (VCV000749212.15), dbSNP rs369041765, ClinGen allele CA7461883.